The following is an entry in ClinVar:

ClinVar aggregate classification (germline): Benign. Review status: criteria provided, multiple submitters, no conflicts (2 of 4 stars). 11 submissions from 11 submitters: Benign (10). 1 of the submissions does not count toward it. Last evaluated 2026-02-04.

Conditions:
Familial dysautonomia. Also called: FD; HSAN III. Identifiers: Orphanet 1764, MedGen C0013364, MONDO:0009131, OMIM 223900. Disease mechanism: loss of function.

Allele frequency attached by ClinVar (database versions not stated): gnomAD exomes 0.19435; ESP Exome Variant Server 0.21252; gnomAD 0.21756 and 0.21876; TOPMed 0.22008; 1000 Genomes Project 30x 0.24422; 1000 Genomes Project 0.24581.
gnomAD v4.1: 292,176 of 1,613,288 alleles (18%); highest among the groups gnomAD compares: African/African-American, 32%; 28,322 homozygotes.

Submissions (11):

Labcorp Genetics (formerly Invitae), Labcorp
Classification: Benign. Last evaluated: 2026-02-04. Review status: criteria provided, single submitter. Criteria: Invitae Variant Classification Sherloc (09022015). Collection method: clinical testing. Allele origin: germline.

Blueprint Genetics
Classification: Benign. Last evaluated: 2024-11-27. Review status: criteria provided, single submitter. Criteria: ACMG Guidelines, 2015. Collection method: clinical testing. Allele origin: germline.

Mayo Clinic Laboratories, Mayo Clinic
Classification: Benign. Last evaluated: 2022-03-03. Review status: criteria provided, single submitter. Criteria: ACMG Guidelines, 2015. Collection method: clinical testing. Allele origin: germline. Observed: 579 variant alleles.

Genome-Nilou Lab
Classification: Benign for Familial dysautonomia. Last evaluated: 2021-07-01. Review status: criteria provided, single submitter. Criteria: ACMG Guidelines, 2015. Collection method: clinical testing. Allele origin: germline. Affected: no.

Mendelics
Classification: Benign for Familial dysautonomia. Last evaluated: 2019-05-28. Review status: criteria provided, single submitter. Criteria: Mendelics Assertion Criteria 2017. Collection method: clinical testing. Allele origin: unknown.

Illumina Laboratory Services, Illumina
Classification: Benign for Familial dysautonomia. Last evaluated: 2018-01-13. Review status: criteria provided, single submitter. Criteria: ICSL Variant Classification Criteria 13 December 2019. Collection method: clinical testing. Allele origin: germline.
Comment: This variant was observed in the ICSL laboratory as part of a predisposition screen in an ostensibly healthy population. It had not been previously curated by ICSL or reported in the Human Gene Mutation Database (HGMD: prior to June 1st, 2018), and was therefore a candidate for classification through an automated scoring system. Utilizing variant allele frequency, disease prevalence and penetrance estimates, and inheritance mode, an automated score was calculated to assess if this variant is too frequent to cause the disease. Based on the score and internal cut-off values, a variant classified as benign is not then subjected to further curation. The score for this variant resulted in a classification of benign for this disease.

Women's Health and Genetics/Laboratory Corporation of America, LabCorp
Classification: Benign. Last evaluated: 2017-07-17. Review status: criteria provided, single submitter. Criteria: LabCorp Variant Classification Summary - May 2015. Collection method: clinical testing. Allele origin: germline.

GeneDx
Classification: Benign. Last evaluated: 2015-03-03. Review status: criteria provided, single submitter. Criteria: GeneDx Variant Classification Process June 2021. Collection method: clinical testing. Allele origin: germline. Affected: yes.

Breakthrough Genomics
Classification: Benign. Review status: criteria provided, single submitter. Criteria: ACMG Guidelines, 2015. Collection method: not provided. Allele origin: germline. Inheritance: Autosomal recessive inheritance. Affected: yes.

PreventionGenetics, part of Exact Sciences
Classification: Benign. Review status: criteria provided, single submitter. Criteria: ACMG Guidelines, 2015. Collection method: clinical testing. Allele origin: germline.

Natera, Inc.
Classification: Benign for Familial dysautonomia. Last evaluated: 2017-05-10. Review status: no assertion criteria provided. Collection method: clinical testing. Allele origin: germline. Not counted in ClinVar's aggregate classification.

NM_003640.5(ELP1):c.3214T>A (p.Cys1072Ser)

Gene: ELP1 (elongator acetyltransferase complex subunit 1; minus strand). Cytogenetic location: 9q31.3.
Variant type: single nucleotide variant.
Coding change: c.3214T>A on transcript NM_003640.5 (MANE Select); coding-DNA position 3214, T replaced by A.
Protein change: p.Cys1072Ser; replaces cysteine 1072 with serine.
Molecular consequence: missense variant.
Genome position (GRCh38, 1-based): chr9:108,889,340, A>T on the plus strand (T>A on the coding strand, the complement: ELP1 is on the minus strand). VCF-style: chr9-108889340-A-T. GRCh37 (hg19) VCF-style: chr9-111651620-A-T.
Other names: c.2872T>A, p.Cys958Ser (NM_001318360.2); c.2167T>A, p.Cys723Ser (NM_001330749.2); c.3214T>A (LRG_251t1); short protein forms C1072S, C958S, C723S.
Identifiers: ClinVar variation 259112 (VCV000259112.29), dbSNP rs3204145, ClinGen allele CA5174387.